The following is an entry in ClinVar:

ClinVar aggregate classification (germline): Benign/Likely benign. Review status: criteria provided, multiple submitters, no conflicts (2 of 4 stars). 7 submissions from 7 submitters: Benign (1); Likely benign (3). 3 of the submissions do not count toward it. Last evaluated 2025-12-07.

Conditions:
Polycystic kidney disease, adult type (PKD1). Also called: Polycystic Kidney, Autosomal Dominant; Polycystic Kidney Disease 1, Autosomal Dominant; Polycystic kidney disease 1; Polycystic kidney disease 1, severe; POLYCYSTIC KIDNEY DISEASE 1 WITH OR WITHOUT POLYCYSTIC LIVER DISEASE; POLYCYSTIC KIDNEY DISEASE, ADULT, TYPE I. Identifiers: MedGen C3149841, MONDO:0008263, OMIM 173900.
PKD1-related disorder. Also called: PKD1-related condition.

Allele frequency attached by ClinVar (database versions not stated): gnomAD exomes 0.00023 and 0.00032; 1000 Genomes Project 30x 0.00031; ExAC 0.00031; gnomAD 0.00033 and 0.00037; ESP Exome Variant Server 0.00039; 1000 Genomes Project 0.00040; TOPMed 0.00057.
gnomAD v4.1: 420 of 1,611,380 alleles (0.026%); highest among the groups gnomAD compares: Middle Eastern, 0.17%; 1 homozygote.

Submissions (7):

Women's Health and Genetics/Laboratory Corporation of America, LabCorp
Classification: Likely benign. Last evaluated: 2025-12-07. Review status: criteria provided, single submitter. Criteria: LabCorp Variant Classification Summary - May 2015. Collection method: clinical testing. Allele origin: germline.

Blueprint Genetics
Classification: Likely benign. Last evaluated: 2024-11-22. Review status: criteria provided, single submitter. Criteria: ACMG Guidelines, 2015. Collection method: clinical testing. Allele origin: germline.

Fulgent Genetics
Classification: Likely benign for Polycystic kidney disease, adult type. Last evaluated: 2021-11-22. Review status: criteria provided, single submitter. Criteria: ACMG Guidelines, 2015. Collection method: clinical testing. Allele origin: unknown.

Athena Diagnostics
Classification: Benign. Last evaluated: 2021-03-03. Review status: criteria provided, single submitter. Criteria: Athena Diagnostics criteria. Collection method: clinical testing. Allele origin: unknown.

PreventionGenetics, part of Exact Sciences
Classification: Likely benign for PKD1-related condition. Last evaluated: 2020-02-11. Review status: no assertion criteria provided. Collection method: clinical testing. Allele origin: germline. Not counted in ClinVar's aggregate classification.
Comment: This variant is classified as likely benign based on ACMG/AMP sequence variant interpretation guidelines (Richards et al. 2015 PMID: 25741868, with internal and published modifications).

Clinical Genetics DNA and cytogenetics Diagnostics Lab, Erasmus MC, Erasmus Medical Center
Classification: Likely benign. Review status: no assertion criteria provided. Collection method: clinical testing. Allele origin: germline. Affected: yes. Study: VKGL Data-share Consensus. Not counted in ClinVar's aggregate classification.

Genome Diagnostics Laboratory, University Medical Center Utrecht
Classification: Likely benign. Review status: no assertion criteria provided. Collection method: clinical testing. Allele origin: germline. Affected: yes. Study: VKGL Data-share Consensus. Not counted in ClinVar's aggregate classification.

NM_001009944.3(PKD1):c.5577T>C (p.Ala1859=)

Gene: PKD1 (polycystin 1, transient receptor potential channel interacting; minus strand). Cytogenetic location: 16p13.3.
Variant type: single nucleotide variant.
Coding change: c.5577T>C on transcript NM_001009944.3 (MANE Select); coding-DNA position 5577, T replaced by C.
Protein change: p.Ala1859=; no amino-acid change (alanine 1859 retained).
Molecular consequence: synonymous variant.
Genome position (GRCh38, 1-based): chr16:2,109,590, A>G on the plus strand (T>C on the coding strand, the complement: PKD1 is on the minus strand). VCF-style: chr16-2109590-A-G. GRCh37 (hg19) VCF-style: chr16-2159591-A-G.
Other names: c.5577T>C, p.Ala1859= (NM_000296.4); c.5577T>C (NM_001009944.2).
Identifiers: ClinVar variation 1256445 (VCV001256445.8), dbSNP rs140662778, ClinGen allele CA7831935.